The following is an entry in ClinVar:

NM_000432.4(MYL2):c.160G>T (p.Ala54Ser)

Gene: MYL2 (myosin light chain 2; minus strand). Cytogenetic location: 12q24.11.
Variant type: single nucleotide variant.
Coding change: c.160G>T on transcript NM_000432.4 (MANE Select); coding-DNA position 160, G replaced by T.
Protein change: p.Ala54Ser; replaces alanine 54 with serine.
Molecular consequence: missense variant.
Genome position (GRCh38, 1-based): chr12:110,915,724, C>A on the plus strand (G>T on the coding strand, the complement: MYL2 is on the minus strand). VCF-style: chr12-110915724-C-A. GRCh37 (hg19) VCF-style: chr12-111353528-C-A.
Other names: short protein forms A54S.
Identifiers: ClinVar variation 1474904 (VCV001474904.8), dbSNP rs1171745073, ClinGen allele CA386699186.

ClinVar aggregate classification (germline): Uncertain significance. Review status: criteria provided, multiple submitters, no conflicts (2 of 4 stars). 2 submissions from 2 submitters: Uncertain significance (2). Last evaluated 2025-08-14.

Conditions:
Cardiomyopathy (CMYO). Also called: Cardiomyopathies. Identifiers: Orphanet 167848, MedGen C0878544, MONDO:0004994, HP:0001638. Inheritance: Various modes of inheritance.
Hypertrophic cardiomyopathy 10. Also called: CARDIOMYOPATHY, HYPERTROPHIC, MID-LEFT VENTRICULAR CHAMBER TYPE, 2; MYL2-Related Familial Hypertrophic Cardiomyopathy. Identifiers: MedGen C1834460, MONDO:0012112, OMIM 608758.

Submissions (2):

Color Diagnostics, LLC DBA Color Health
Classification: Uncertain significance for Cardiomyopathy. Last evaluated: 2025-08-14. Review status: criteria provided, single submitter. Criteria: ACMG Guidelines, 2015. Collection method: clinical testing. Allele origin: germline.
Comment: This missense variant replaces alanine with serine at codon 54 of the MYL2 protein. Computational prediction suggests that this variant may not impact protein structure and function. To our knowledge, functional studies have not been reported for this variant. This variant has not been reported in individuals affected with MYL2-related disorders in the literature. This variant has not been identified in the general population by the Genome Aggregation Database (gnomAD). The available evidence is insufficient to determine the role of this variant in disease conclusively. Therefore, this variant is classified as a Variant of Uncertain Significance.

Labcorp Genetics (formerly Invitae), Labcorp
Classification: Uncertain significance for Hypertrophic cardiomyopathy 10. Last evaluated: 2024-07-23. Review status: criteria provided, single submitter. Criteria: Invitae Variant Classification Sherloc (09022015). Collection method: clinical testing. Allele origin: germline.
Comment: This sequence change replaces alanine, which is neutral and non-polar, with serine, which is neutral and polar, at codon 54 of the MYL2 protein (p.Ala54Ser). This variant is not present in population databases (gnomAD no frequency). This variant has not been reported in the literature in individuals affected with MYL2-related conditions. ClinVar contains an entry for this variant (Variation ID: 1474904). An algorithm developed to predict the effect of missense changes on protein structure and function (PolyPhen-2) suggests that this variant is likely to be tolerated. In summary, the available evidence is currently insufficient to determine the role of this variant in disease. Therefore, it has been classified as a Variant of Uncertain Significance.